The following is an entry in ClinVar:

NM_017882.3(CLN6):c.431A>G (p.His144Arg)

Gene: CLN6 (CLN6 transmembrane ER protein; minus strand). Cytogenetic location: 15q23.
Variant type: single nucleotide variant.
Coding change: c.431A>G on transcript NM_017882.3 (MANE Select); coding-DNA position 431, A replaced by G.
Protein change: p.His144Arg; replaces histidine 144 with arginine.
Molecular consequence: missense variant.
Genome position (GRCh38, 1-based): chr15:68,211,730, T>C on the plus strand (A>G on the coding strand, the complement: CLN6 is on the minus strand). VCF-style: chr15-68211730-T-C. GRCh37 (hg19) VCF-style: chr15-68504068-T-C.
Other names: short protein forms H144R.
Identifiers: ClinVar variation 840144 (VCV000840144.11), dbSNP rs1595818258, ClinGen allele CA392973418.
Genomic context (GRCh38, chr15:68,211,730, plus strand): 5'-CTCACCAGCGTCTCCGGCTTGAGATTCTTGATGATGGGGTTCTCACGGACAGACAGGTGG[T>C]GCTGGTAGCCACTGAAGAGCAGGCGGTGGTTGACAGAGTCACCCACCAGGTGGATGCTGG-3'
Protein context (NP_060352.1, residues 134-154): NHRLLFSGYQ[His144Arg]HLSVRENPII

ClinVar aggregate classification (germline): Uncertain significance (1 of 4 stars; one submission).

Conditions:
Neuronal ceroid lipofuscinosis. Also called: Neuronal Ceroid Lipofuscinoses. Identifiers: Orphanet 216, Orphanet 79263, MedGen C0027877, MONDO:0016295. Disease mechanism: loss of function.

Submission:

Labcorp Genetics (formerly Invitae), Labcorp
Classification: Uncertain significance for Neuronal ceroid lipofuscinosis. Last evaluated: 2020-01-26. Review status: criteria provided, single submitter. Criteria: Invitae Variant Classification Sherloc (09022015). Collection method: clinical testing. Allele origin: germline.
Comment: This sequence change replaces histidine with arginine at codon 144 of the CLN6 protein (p.His144Arg). The histidine residue is highly conserved and there is a small physicochemical difference between histidine and arginine. This variant is not present in population databases (ExAC no frequency). This variant has not been reported in the literature in individuals with CLN6-related conditions. Algorithms developed to predict the effect of missense changes on protein structure and function (SIFT, PolyPhen-2, Align-GVGD) all suggest that this variant is likely to be tolerated, but these predictions have not been confirmed by published functional studies and their clinical significance is uncertain. In summary, the available evidence is currently insufficient to determine the role of this variant in disease. Therefore, it has been classified as a Variant of Uncertain Significance.